The following is an entry in ClinVar:

NM_000388.4(CASR):c.2298C>T (p.His766=)

Gene: CASR (calcium sensing receptor; plus strand). Cytogenetic location: 3q21.1.
Variant type: single nucleotide variant.
Coding change: c.2298C>T on transcript NM_000388.4 (MANE Select); coding-DNA position 2298, C replaced by T.
Protein change: p.His766=; no amino-acid change (histidine 766 retained).
Molecular consequence: synonymous variant.
Genome position (GRCh38, 1-based): chr3:122,284,252, C>T. VCF-style: chr3-122284252-C-T. GRCh37 (hg19) VCF-style: chr3-122003099-C-T.
Other names: c.2328C>T (NM_001178065.1); c.2328C>T, p.His776= (NM_001178065.2).
Identifiers: ClinVar variation 463919 (VCV000463919.18), dbSNP rs200723499, ClinGen allele CA2569810.
Genomic context (GRCh38, chr3:122,284,252, plus strand): 5'-GCCCCCGTCAAGCTACCGCAACCAGGAGCTGGAGGATGAGATCATCTTCATCACGTGCCA[C>T]GAGGGCTCCCTCATGGCCCTGGGCTTCCTGATCGGCTACACCTGCCTGCTGGCTGCCATC-3'
Protein context (NP_000379.3, residues 756-776): LEDEIIFITC[His766=]EGSLMALGFL

ClinVar aggregate classification (germline): Likely benign. Review status: criteria provided, multiple submitters, no conflicts (2 of 4 stars). 3 submissions from 3 submitters: Likely benign (2). 1 of the submissions does not count toward it. Last evaluated 2025-09-21.

Conditions:
Familial hypocalciuric hypercalcemia (FHH). Also called: Familial benign hypercalcemia. Identifiers: Orphanet 405, MedGen C1809471, MONDO:0018458.
Autosomal dominant hypocalcemia 1 (HYPOC1). Also called: HYPOCALCEMIA, FAMILIAL. Identifiers: MedGen C3715128, MONDO:0011013, OMIM 601198.
CASR-related disorder. Also called: CASR-related condition.
Nephrolithiasis/nephrocalcinosis. Identifiers: MedGen CN580796.

Allele frequency attached by ClinVar (database versions not stated): gnomAD exomes 0.00001; ExAC 0.00002; gnomAD 0.00002; TOPMed 0.00003; ESP Exome Variant Server 0.00008.
gnomAD v4.1: 26 of 1,613,964 alleles (0.0016%); highest among the groups gnomAD compares: African/African-American, 0.012%; no homozygotes.

Submissions (3):

Labcorp Genetics (formerly Invitae), Labcorp
Classification: Likely benign for Familial hypocalciuric hypercalcemia; Autosomal dominant hypocalcemia 1. Last evaluated: 2025-09-21. Review status: criteria provided, single submitter. Criteria: Invitae Variant Classification Sherloc (09022015). Collection method: clinical testing. Allele origin: germline.

Ambry Genetics
Classification: Likely benign for Nephrolithiasis/nephrocalcinosis. Last evaluated: 2019-09-05. Review status: criteria provided, single submitter. Criteria: Ambry Variant Classification Scheme 2023. Collection method: clinical testing. Allele origin: germline.

PreventionGenetics, part of Exact Sciences
Classification: Likely benign for CASR-related condition. Last evaluated: 2023-04-27. Review status: no assertion criteria provided. Collection method: clinical testing. Allele origin: germline. Not counted in ClinVar's aggregate classification.
Comment: This variant is classified as likely benign based on ACMG/AMP sequence variant interpretation guidelines (Richards et al. 2015 PMID: 25741868, with internal and published modifications).